The following is an entry in ClinVar:

NM_005247.4(FGF3):c.137G>A (p.Arg46His)

Genes: FGF3 (fibroblast growth factor 3; minus strand), LOC109115964 (FGF3 5' regulatory region; plus strand). Cytogenetic location: 11q13.3.
Variant type: single nucleotide variant.
Coding change: c.137G>A on transcript NM_005247.4 (MANE Select); coding-DNA position 137, G replaced by A.
Protein change: p.Arg46His; replaces arginine 46 with histidine.
Molecular consequence: missense variant.
Genome position (GRCh38, 1-based): chr11:69,818,797, C>T on the plus strand (G>A on the coding strand, the complement: FGF3 is on the minus strand). VCF-style: chr11-69818797-C-T. GRCh37 (hg19) VCF-style: chr11-69633565-C-T.
Other names: short protein forms R46H.
Identifiers: ClinVar variation 5037491 (VCV005037491.1).

ClinVar aggregate classification (germline): Uncertain significance (1 of 4 stars; one submission).

Submission:

GeneDx
Classification: Uncertain significance. Last evaluated: 2026-04-23. Review status: criteria provided, single submitter. Criteria: GeneDx Variant Classification Process June 2021. Collection method: clinical testing. Allele origin: germline.
Comment: Not observed at significant frequency in large population cohorts (gnomAD); In silico analysis supports that this missense variant has a deleterious effect on protein structure/function; Has not been previously published as pathogenic or benign to our knowledge